The following is an entry in ClinVar:

NM_000350.3(ABCA4):c.1610G>A (p.Arg537His)

Gene: ABCA4 (ATP binding cassette subfamily A member 4; minus strand). Cytogenetic location: 1p22.1.
Variant type: single nucleotide variant.
Coding change: c.1610G>A on transcript NM_000350.3 (MANE Select); coding-DNA position 1610, G replaced by A.
Protein change: p.Arg537His; replaces arginine 537 with histidine.
Molecular consequence: missense variant.
Genome position (GRCh38, 1-based): chr1:94,063,262, C>T on the plus strand (G>A on the coding strand, the complement: ABCA4 is on the minus strand). VCF-style: chr1-94063262-C-T. GRCh37 (hg19) VCF-style: chr1-94528818-C-T.
Other names: c.1610G>A, p.Arg537His (NM_001425324.1); short protein forms R537H.
Identifiers: ClinVar variation 99064 (VCV000099064.23), dbSNP rs61752395, ClinGen allele CA226906.

ClinVar aggregate classification (germline): Conflicting classifications of pathogenicity. Review status: criteria provided, conflicting classifications (1 of 4 stars). 8 submissions from 8 submitters: Likely pathogenic (1); Uncertain significance (2); Benign (1); Likely benign (3). 1 of the submissions does not count toward it. Last evaluated 2026-04-23.

Conditions:
ABCA4-related disorder. Also called: ABCA4-related disorders; ABCA4-related condition. Identifiers: MedGen CN239167.
Retinal dystrophy. Also called: Inherited retinal dystrophy. Identifiers: Orphanet 71862, MedGen C0854723, MeSH D058499, MONDO:0019118, HP:0000556.

Allele frequency attached by ClinVar (database versions not stated): gnomAD 0.00167 and 0.00176; ESP Exome Variant Server 0.00062; 1000 Genomes Project 30x 0.00062; ExAC 0.00197; TOPMed 0.00051; 1000 Genomes Project 0.00080; gnomAD exomes 0.00204.
gnomAD v4.1: 1,903 of 1,614,098 alleles (0.12%); highest among the groups gnomAD compares: Non-Finnish European, 0.085%; 9 homozygotes.

Submissions (8):

PreventionGenetics, part of Exact Sciences
Classification: Likely benign for ABCA4-related condition. Last evaluated: 2026-04-23. Review status: criteria provided, single submitter. Criteria: ACMG Guidelines, 2015. Collection method: clinical testing. Allele origin: germline.
Comment: This variant is classified as likely benign based on ACMG/AMP sequence variant interpretation guidelines (Richards et al. 2015 PMID: 25741868, with internal and published modifications).

Labcorp Genetics (formerly Invitae), Labcorp
Classification: Benign. Last evaluated: 2026-01-26. Review status: criteria provided, single submitter. Criteria: Invitae Variant Classification Sherloc (09022015). Collection method: clinical testing. Allele origin: germline.

Revvity Omics, Revvity
Classification: Uncertain significance. Last evaluated: 2025-05-27. Review status: criteria provided, single submitter. Criteria: ACMG Guidelines, 2015. Collection method: clinical testing. Allele origin: germline.

Blueprint Genetics
Classification: Likely pathogenic for ABCA4-related disorders. Last evaluated: 2024-11-23. Review status: criteria provided, single submitter. Criteria: ACMG Guidelines, 2015. Collection method: clinical testing. Allele origin: germline. Affected: yes. Observed: 5 variant alleles.

GeneDx
Classification: Likely benign. Last evaluated: 2019-04-15. Review status: criteria provided, single submitter. Criteria: GeneDx Variant Classification Process June 2021. Collection method: clinical testing. Allele origin: germline. Affected: yes.
Comment: This variant is associated with the following publications: (PMID: 14517951, 29068140, 28838317, 29925512, 32783370)

Institute of Human Genetics, Univ. Regensburg, Univ. Regensburg
Classification: Uncertain significance for Retinal dystrophy. Last evaluated: 2018-01-01. Review status: criteria provided, single submitter. Criteria: ACMG Guidelines, 2015. Collection method: clinical testing. Allele origin: germline. Affected: yes.

Illumina Laboratory Services, Illumina
Classification: Likely benign for ABCA4-Related Disorders. Last evaluated: 2017-04-27. Review status: criteria provided, single submitter. Criteria: ICSL Variant Classification Criteria 13 December 2019. Collection method: clinical testing. Allele origin: germline.
Comment: This variant was observed as part of a predisposition screen in an ostensibly healthy population. A literature search was performed for the gene, cDNA change, and amino acid change (where applicable). No publications were found based on this search. Allele frequency data from public databases allowed determination this variant is unlikely to cause disease. Therefore, this variant is classified as likely benign.

Retina International
No classification provided. Review status: no classification provided. Collection method: not provided. Allele origin: unknown. Not counted in ClinVar's aggregate classification.

Literature cited by the submitters: PubMed 14517951 (cited by Institute of Human Genetics, Univ. Regensburg, Univ. Regensburg); PubMed 29068140 (cited by Institute of Human Genetics, Univ. Regensburg, Univ. Regensburg); PubMed 29925512 (cited by Institute of Human Genetics, Univ. Regensburg, Univ. Regensburg); PubMed 31429209 (cited by Institute of Human Genetics, Univ. Regensburg, Univ. Regensburg); PubMed 32783370 (cited by Institute of Human Genetics, Univ. Regensburg, Univ. Regensburg).